The following is an entry in ClinVar:

NM_024675.4(PALB2):c.886del (p.Lys295_Met296insTer)

Gene: PALB2 (partner and localizer of BRCA2; minus strand). Cytogenetic location: 16p12.2.
Variant type: Deletion.
Coding change: c.886del on transcript NM_024675.4 (MANE Select); coding-DNA position 886, one base deleted (A; older notation c.886delA).
Protein change: p.Lys295_Met296insTer.
Molecular consequence: nonsense.
Genome position (GRCh38, 1-based): chr16:23,635,660, T deleted on the plus strand (A on the coding strand, the reverse complement: PALB2 is on the minus strand); the first of 7 consecutive T bases (chr16:23,635,660-23,635,666); deleting any one gives the same sequence. VCF-style (leftmost placement, unchanged base first): chr16-23635659-AT-A. GRCh37 (hg19) VCF-style: chr16-23646980-AT-A.
Other names: c.886delA (NM_024675.3).
Identifiers: ClinVar variation 143979 (VCV000143979.14), dbSNP rs587776408, ClinGen allele CA294571.

ClinVar aggregate classification (germline): Pathogenic. Review status: criteria provided, multiple submitters, no conflicts (2 of 4 stars). 5 submissions from 5 submitters: Pathogenic (3). 2 of the submissions do not count toward it. Last evaluated 2023-09-07.

Conditions:
Hereditary cancer-predisposing syndrome. Also called: Hereditary Cancer Syndrome; Neoplastic Syndromes, Hereditary; Hereditary neoplastic syndrome; Tumor predisposition. Identifiers: Orphanet 140162, MedGen C0027672, MeSH D009386, MONDO:0015356.
Familial cancer of breast. Also called: BREAST CANCER, FAMILIAL; Hereditary breast cancer; hereditary breast carcinoma. Identifiers: Orphanet 227535, MedGen C0346153, MONDO:0016419, OMIM 114480. Disease mechanism: loss of function.

Submissions (5):

Myriad Genetics, Inc.
Classification: Pathogenic for Familial cancer of breast. Last evaluated: 2023-09-07. Review status: criteria provided, single submitter. Criteria: Myriad Autosomal Dominant, Autosomal Recessive and X-Linked Classification Criteria (2023). Collection method: clinical testing. Allele origin: unknown.
Comment: This variant is considered pathogenic. This variant creates a termination codon and is predicted to result in premature protein truncation.

Labcorp Genetics (formerly Invitae), Labcorp
Classification: Pathogenic for Familial cancer of breast. Last evaluated: 2021-04-23. Review status: criteria provided, single submitter. Criteria: Invitae Variant Classification Sherloc (09022015). Collection method: clinical testing. Allele origin: germline.
Comment: For these reasons, this variant has been classified as Pathogenic. This variant has been observed in individuals affected with breast cancer (PMID: 25099575, 28779002). ClinVar contains an entry for this variant (Variation ID: 143979). This variant is not present in population databases (ExAC no frequency). This sequence change creates a premature translational stop signal (p.Met296*) in the PALB2 gene. It is expected to result in an absent or disrupted protein product. Loss-of-function variants in PALB2 are known to be pathogenic (PMID: 17200668, 24136930, 25099575).

Ambry Genetics
Classification: Pathogenic for Hereditary cancer-predisposing syndrome. Last evaluated: 2021-03-02. Review status: criteria provided, single submitter. Criteria: Ambry Variant Classification Scheme 2023. Collection method: clinical testing. Allele origin: germline.
Comment: The c.886delA pathogenic mutation, located in coding exon 4 of the PALB2 gene, results from a deletion of one nucleotide at nucleotide position 886, causing a translational frameshift with a predicted alternate stop codon (p.M296*). This alteration has been reported in an individuals with breast and basal cell carcinoma (Antoniou AC et al. N Engl J Med, 2014 Aug;371:497-506; Decker B et al. J Med Genet, 2017 11;54:732-741; Cho HG et al. JCI Insight, 2018 08;3:). In addition to the clinical data presented in the literature, this alteration is expected to result in loss of function by premature protein truncation or nonsense-mediated mRNA decay. As such, this alteration is interpreted as a disease-causing mutation.

Leiden Open Variation Database
Classification: Pathogenic for Familial cancer of breast. Last evaluated: 2019-05-13. Review status: no assertion criteria provided. Collection method: curation. Allele origin: germline. Affected: yes. Not counted in ClinVar's aggregate classification.
Comment: Curators: Marc Tischkowitz, Arleen D. Auerbach. Submitter to LOVD: Marc Tischkowitz.

SNPedia
Classification: Pathogenic. Review status: no assertion criteria provided. Collection method: not provided. Allele origin: germline. Not counted in ClinVar's aggregate classification.
ClinVar note: Converted during submission from pathogenic to Pathogenic.

Literature cited by the submitters: PubMed 25099575 (cited by 3 submitters); PubMed 28779002 (cited by Labcorp Genetics (formerly Invitae), Labcorp and Ambry Genetics); PubMed 17200668 (cited by Labcorp Genetics (formerly Invitae), Labcorp); PubMed 24136930 (cited by Labcorp Genetics (formerly Invitae), Labcorp); PubMed 30089731 (cited by Ambry Genetics).